The following is an entry in ClinVar:

ClinVar aggregate classification (germline): Pathogenic (1 of 4 stars; one submission).

Submission:

Labcorp Genetics (formerly Invitae), Labcorp
Classification: Pathogenic. Last evaluated: 2025-03-31. Review status: criteria provided, single submitter. Criteria: Invitae Variant Classification Sherloc (09022015). Collection method: clinical testing. Allele origin: germline.
Comment: This sequence change creates a premature translational stop signal (p.Cys3173Serfs*4) in the USH2A gene. It is expected to result in an absent or disrupted protein product. Loss-of-function variants in USH2A are known to be pathogenic (PMID: 10729113, 10909849, 20507924, 25649381). This variant is not present in population databases (gnomAD no frequency). This variant has not been reported in the literature in individuals affected with USH2A-related conditions. For these reasons, this variant has been classified as Pathogenic.

Literature cited by the submitters: PubMed 10729113; PubMed 10909849; PubMed 20507924; PubMed 25649381.

NM_206933.4(USH2A):c.9518_9519del (p.Cys3173fs)

Gene: USH2A (usherin; minus strand). Cytogenetic location: 1q41.
Variant type: Microsatellite.
Coding change: c.9518_9519del on transcript NM_206933.4 (MANE Select); coding-DNA positions 9518 to 9519, 2 bases deleted (GT; older notation c.9518_9519delGT).
Protein change: p.Cys3173fs; shifts the reading frame from cysteine 3173.
Molecular consequence: frameshift variant.
Genome position (GRCh38, 1-based): chr1:215,817,048-215,817,049, AC deleted on the plus strand (GT on the coding strand, the reverse complement: USH2A is on the minus strand); deleting any 2 consecutive bases within chr1:215,817,048-215,817,051 gives the same sequence; the c. name uses the placement nearest the transcript's 3' end. VCF-style (leftmost placement, unchanged base first): chr1-215817047-GAC-G. GRCh37 (hg19) VCF-style: chr1-215990389-GAC-G.
Other names: short protein forms C3173fs.
Identifiers: ClinVar variation 2123631 (VCV002123631.4), dbSNP rs2464520346, ClinGen allele CA2580611545.
Genomic context (GRCh38, chr1:215,817,047, plus strand): 5'-AAAGACTTACCTTAGCTTCAGAAGAATAGCAAATGTGTCCACAGATAGATTCAGGTTTTT[GAC>G]ACCTCACTGCCTTGCAGAGCTCATCACTCTGATCCTGCACTAACTTTTGAGTTTTAGCGC-3'